The following is an entry in ClinVar:

NM_005909.5(MAP1B):c.1084C>T (p.Pro362Ser)

Gene: MAP1B (microtubule associated protein 1B; plus strand). Cytogenetic location: 5q13.2.
Variant type: single nucleotide variant.
Coding change: c.1084C>T on transcript NM_005909.5 (MANE Select); coding-DNA position 1084, C replaced by T.
Protein change: p.Pro362Ser; replaces proline 362 with serine.
Molecular consequence: missense variant.
Genome position (GRCh38, 1-based): chr5:72,194,439, C>T. VCF-style: chr5-72194439-C-T. GRCh37 (hg19) VCF-style: chr5-71490266-C-T.
Other names: c.706C>T, p.Pro236Ser (NM_001324255.2); short protein forms P236S, P362S.
Identifiers: ClinVar variation 3731526 (VCV003731526.1).

ClinVar aggregate classification (germline): Uncertain significance (1 of 4 stars; one submission).

Conditions:
Periventricular nodular heterotopia 9. Identifiers: MedGen C5394503, MONDO:0030061, OMIM 618918.

Submission:

Neuberg Centre For Genomic Medicine, NCGM
Classification: Uncertain significance for Periventricular nodular heterotopia 9. Last evaluated: 2023-06-22. Review status: criteria provided, single submitter. Criteria: ACMG Guidelines, 2015. Collection method: clinical testing. Allele origin: germline. Inheritance: Autosomal dominant inheritance. Affected: yes.
Comment: The observed missense c.1084C>T(p.Pro362Ser) variant in MAP1B gene has not been reported previously as a pathogenic variant nor as a benign variant, to our knowledge. This variant is absent in gnomAD Exomes. The amino acid Pro at position 362 is changed to a Ser changing protein sequence and it might alter its composition and physico-chemical properties. The amino acid change p.Pro362Ser in MAP1B is predicted as conserved by GERP++ and PhyloP across 100 vertebrates. Multiple lines of computational evidence (Polyphen - Damaging, SIFT - Damaging, and MutationTaster - Disease causing) predict a damaging effect on protein structure and function for this variant. For these reasons, this variant has been classified as Uncertain Significance.